The following is an entry in ClinVar:

ClinVar aggregate classification (germline): Likely benign (1 of 4 stars; one submission).

Allele frequency attached by ClinVar (database versions not stated): gnomAD 0.00001; TOPMed 0.00002.
gnomAD v4.1: 70 of 1,614,006 alleles (0.0043%); highest among the groups gnomAD compares: Non-Finnish European, 0.0054%; no homozygotes.

Submission:

CeGaT Center for Human Genetics Tuebingen
Classification: Likely benign. Last evaluated: 2022-09-01. Review status: criteria provided, single submitter. Criteria: CeGaT Center For Human Genetics Tuebingen Variant Classification Criteria Version 2. Collection method: clinical testing. Allele origin: germline. Affected: yes. Observed: 1 variant allele.
Comment: REV3L: BP4

NM_001372078.1(REV3L):c.4325G>A (p.Cys1442Tyr)

Gene: REV3L (REV3 like, DNA directed polymerase zeta catalytic subunit; minus strand). Cytogenetic location: 6q21.
Variant type: single nucleotide variant.
Coding change: c.4325G>A on transcript NM_001372078.1 (MANE Select); coding-DNA position 4325, G replaced by A.
Protein change: p.Cys1442Tyr; replaces cysteine 1442 with tyrosine.
Molecular consequence: missense variant.
Genome position (GRCh38, 1-based): chr6:111,374,030, C>T on the plus strand (G>A on the coding strand, the complement: REV3L is on the minus strand). VCF-style: chr6-111374030-C-T. GRCh37 (hg19) VCF-style: chr6-111695233-C-T.
Other names: c.4091G>A, p.Cys1364Tyr (NM_001286431.2, NM_001286432.2); c.4325G>A, p.Cys1442Tyr (NM_002912.5); short protein forms C1364Y, C1442Y.
Identifiers: ClinVar variation 2656852 (VCV002656852.24), dbSNP rs770070579, ClinGen allele CA365268640.
Genomic context (GRCh38, chr6:111,374,030, plus strand): 5'-GAAGTTACAAAGCAATTATTAGGCATTTGGCTTTCCTCTGAAGCTGTATTTCCCGGAGAA[C>T]AAGTTTCACTGTGCTTTGACTGTTCCGCTATGCACACAATCTGCTGCTGACTGTCTTTGC-3'
Protein context (NP_001359007.1, residues 1432-1452): IAEQSKHSET[Cys1442Tyr]SPGNTASEES